The following is an entry in ClinVar:

NM_004698.4(PRPF3):c.1699C>G (p.Leu567Val)

Gene: PRPF3 (pre-mRNA processing factor 3; plus strand). Cytogenetic location: 1q21.2.
Variant type: single nucleotide variant.
Coding change: c.1699C>G on transcript NM_004698.4 (MANE Select); coding-DNA position 1699, C replaced by G.
Protein change: p.Leu567Val; replaces leucine 567 with valine.
Molecular consequence: missense variant. On other transcripts: non-coding transcript variant (4).
Genome position (GRCh38, 1-based): chr1:150,346,076, C>G. VCF-style: chr1-150346076-C-G. GRCh37 (hg19) VCF-style: chr1-150318552-C-G.
Other names: c.1294C>G, p.Leu432Val (NM_001350529.1); c.1699C>G (NM_004698.2); short protein forms L432V, L567V.
Identifiers: ClinVar variation 1496423 (VCV001496423.8), dbSNP rs1553872875, ClinGen allele CA342284136.
Genomic context (GRCh38, chr1:150,346,076, plus strand): 5'-AGAGTTCGAAATTTGAGCAACCCAGCCAAGAAGTTCAAGATTGAAGCCAATGCTGGGCAA[C>G]TGTACCTGACAGGGGTGGTGGTACTGCACAAGGATGTCAACGTGGTAGTAGTGGAAGGGG-3'
Protein context (NP_004689.1, residues 557-577): KFKIEANAGQ[Leu567Val]YLTGVVVLHK

ClinVar aggregate classification (germline): Uncertain significance. Review status: criteria provided, multiple submitters, no conflicts (2 of 4 stars). 2 submissions from 2 submitters: Uncertain significance (2). Last evaluated 2025-06-18.

Conditions:
Inborn genetic diseases. Identifiers: MedGen C0950123, MeSH D030342.

Allele frequency attached by ClinVar (database versions not stated): TOPMed 0.00001; gnomAD exomes below 0.00001; gnomAD 0.00001.
gnomAD v4.1: 4 of 1,614,100 alleles (0.00025%); highest among the groups gnomAD compares: Admixed American, 0.0033%; no homozygotes.

Submissions (2):

Ambry Genetics
Classification: Uncertain significance for Inborn genetic diseases. Last evaluated: 2025-06-18. Review status: criteria provided, single submitter. Criteria: Ambry Variant Classification Scheme 2023. Collection method: clinical testing. Allele origin: germline.

Labcorp Genetics (formerly Invitae), Labcorp
Classification: Uncertain significance. Last evaluated: 2024-03-19. Review status: criteria provided, single submitter. Criteria: Invitae Variant Classification Sherloc (09022015). Collection method: clinical testing. Allele origin: germline.
Comment: This sequence change replaces leucine, which is neutral and non-polar, with valine, which is neutral and non-polar, at codon 567 of the PRPF3 protein (p.Leu567Val). This variant is present in population databases (no rsID available, gnomAD 0.006%). This variant has not been reported in the literature in individuals affected with PRPF3-related conditions. ClinVar contains an entry for this variant (Variation ID: 1496423). Advanced modeling of protein sequence and biophysical properties (such as structural, functional, and spatial information, amino acid conservation, physicochemical variation, residue mobility, and thermodynamic stability) performed at Invitae indicates that this missense variant is expected to disrupt PRPF3 protein function with a positive predictive value of 80%. In summary, the available evidence is currently insufficient to determine the role of this variant in disease. Therefore, it has been classified as a Variant of Uncertain Significance.